The following is an entry in ClinVar:

ClinVar aggregate classification (germline): Likely benign. Review status: criteria provided, single submitter (1 of 4 stars). 2 submissions from 2 submitters: Likely benign (1). 1 of the submissions does not count toward it. Last evaluated 2025-12-24.

Conditions:
RECQL4-related disorder. Also called: RECQL4-related condition; RECQL4-related disorders.
Baller-Gerold syndrome (BGS). Also called: CRANIOSYNOSTOSIS WITH RADIAL DEFECTS. Identifiers: Orphanet 1225, MedGen C0265308, MONDO:0009039, OMIM 218600.

Allele frequency attached by ClinVar (database versions not stated): TOPMed 0.00015.
gnomAD v4.1: 115 of 1,611,054 alleles (0.0071%); highest among the groups gnomAD compares: Admixed American, 0.01%; no homozygotes.

Submissions (2):

Labcorp Genetics (formerly Invitae), Labcorp
Classification: Likely benign for Baller-Gerold syndrome. Last evaluated: 2025-12-24. Review status: criteria provided, single submitter. Criteria: Invitae Variant Classification Sherloc (09022015). Collection method: clinical testing. Allele origin: germline.

PreventionGenetics, part of Exact Sciences
Classification: Likely benign for RECQL4-related condition. Last evaluated: 2019-05-17. Review status: no assertion criteria provided. Collection method: clinical testing. Allele origin: germline. Not counted in ClinVar's aggregate classification.
Comment: This variant is classified as likely benign based on ACMG/AMP sequence variant interpretation guidelines (Richards et al. 2015 PMID: 25741868, with internal and published modifications).

NM_004260.4(RECQL4):c.3210G>A (p.Leu1070=)

Gene: RECQL4 (RecQ like helicase 4; minus strand). Cytogenetic location: 8q24.3.
Variant type: single nucleotide variant.
Coding change: c.3210G>A on transcript NM_004260.4 (MANE Select); coding-DNA position 3210, G replaced by A.
Protein change: p.Leu1070=; no amino-acid change (leucine 1070 retained).
Molecular consequence: synonymous variant.
Genome position (GRCh38, 1-based): chr8:144,512,170, C>T on the plus strand (G>A on the coding strand, the complement: RECQL4 is on the minus strand). VCF-style: chr8-144512170-C-T. GRCh37 (hg19) VCF-style: chr8-145737553-C-T.
Identifiers: ClinVar variation 459465 (VCV000459465.11), dbSNP rs539631209, ClinGen allele CA4947887.
Genomic context (GRCh38, chr8:144,512,170, plus strand): 5'-GGATGGTCCCAGGCCCCGCCCGCCTCCTCCCAACCTGTGAAAGGCCTGGAAGGTTCTGCG[C>T]AGACGGGCCAGGGCCTGGCGCTCCCGGGCCTGCACACGGCCATAGAGGAAGTCACATATC-3'
Protein context (NP_004251.4, residues 1060-1080): QARERQALAR[Leu1070=]RRTFQAFHSV